The following is an entry in ClinVar:

NM_025233.7(COASY):c.1181G>A (p.Arg394Gln)

Gene: COASY (Coenzyme A synthase; plus strand). Cytogenetic location: 17q21.2.
Variant type: single nucleotide variant.
Coding change: c.1181G>A on transcript NM_025233.7 (MANE Select); coding-DNA position 1181, G replaced by A.
Protein change: p.Arg394Gln; replaces arginine 394 with glutamine.
Molecular consequence: missense variant.
Genome position (GRCh38, 1-based): chr17:42,564,842, G>A. VCF-style: chr17-42564842-G-A. GRCh37 (hg19) VCF-style: chr17-40716860-G-A.
Other names: c.1181G>A, p.Arg394Gln (NM_001042529.3); c.1268G>A, p.Arg423Gln (NM_001042532.4); short protein forms R394Q, R423Q.
Identifiers: ClinVar variation 3365887 (VCV003365887.1).

ClinVar aggregate classification (germline): Uncertain significance (1 of 4 stars; one submission).

Submission:

GeneDx
Classification: Uncertain significance. Last evaluated: 2023-12-19. Review status: criteria provided, single submitter. Criteria: GeneDx Variant Classification Process June 2021. Collection method: clinical testing. Allele origin: germline. Affected: yes.
Comment: In silico analysis supports that this missense variant does not alter protein structure/function; Has not been previously published as pathogenic or benign to our knowledge